The following is an entry in ClinVar:

NM_000350.3(ABCA4):c.1888del (p.Val630fs)

Gene: ABCA4 (ATP binding cassette subfamily A member 4; minus strand). Cytogenetic location: 1p22.1.
Variant type: Deletion.
Coding change: c.1888del on transcript NM_000350.3 (MANE Select); coding-DNA position 1888, one base deleted (G; older notation c.1888delG).
Protein change: p.Val630fs; shifts the reading frame from valine 630.
Molecular consequence: frameshift variant.
Genome position (GRCh38, 1-based): chr1:94,062,626, C deleted on the plus strand (G on the coding strand, the reverse complement: ABCA4 is on the minus strand). VCF-style (leftmost placement, unchanged base first): chr1-94062625-AC-A. GRCh37 (hg19) VCF-style: chr1-94528181-AC-A.
Other names: c.1888delG, p.Val630Leufs (NM_001425324.1); short protein forms V630fs.
Identifiers: ClinVar variation 2823390 (VCV002823390.4), dbSNP rs2523841284, ClinGen allele CA2739272683.
Genomic context (GRCh38, chr1:94,062,625, plus strand): 5'-CTTCAGACTCACGAATCGTCCACGAAGCAGGGGTAGGGCATCTGCTGGAGGTAGATTCCA[AC>A]TGGAGCCTCCGCCTGCACCTGGCTCCTTGTGATCCCCTGTTCAACCATGTCCTGCAGATA-3'

ClinVar aggregate classification (germline): Pathogenic/Likely pathogenic. Review status: criteria provided, multiple submitters, no conflicts (2 of 4 stars). 2 submissions from 2 submitters: Pathogenic (1); Likely pathogenic (1). Last evaluated 2023-12-21.

Conditions:
Retinitis pigmentosa 19 (RP19). Also called: ABCA4-Related Retinitis Pigmentosa. Identifiers: Orphanet 791, MedGen C1866422, MONDO:0011137, OMIM 601718.

Submissions (2):

3billion
Classification: Likely pathogenic for Retinitis pigmentosa 19. Last evaluated: 2023-12-21. Review status: criteria provided, single submitter. Criteria: ACMG Guidelines, 2015. Collection method: clinical testing. Allele origin: germline. Affected: yes.
Comment: The variant is not observed in the gnomAD v2.1.1 dataset. Predicted Consequence/Location: Frameshift: predicted to result in a loss or disruption of normal protein function through nonsense-mediated decay (NMD) or protein truncation. Multiple pathogenic variants are reported downstream of the variant. Therefore, this variant is classified as Likely pathogenic according to the recommendation of ACMG/AMP guideline.

Labcorp Genetics (formerly Invitae), Labcorp
Classification: Pathogenic. Last evaluated: 2022-12-31. Review status: criteria provided, single submitter. Criteria: Invitae Variant Classification Sherloc (09022015). Collection method: clinical testing. Allele origin: germline.
Comment: This sequence change creates a premature translational stop signal (p.Val630Leufs*19) in the ABCA4 gene. It is expected to result in an absent or disrupted protein product. Loss-of-function variants in ABCA4 are known to be pathogenic (PMID: 10958761, 24938718, 25312043, 26780318). This variant is not present in population databases (gnomAD no frequency). This variant has not been reported in the literature in individuals affected with ABCA4-related conditions. For these reasons, this variant has been classified as Pathogenic.

Literature cited by the submitters: PubMed 10958761 (cited by Labcorp Genetics (formerly Invitae), Labcorp); PubMed 24938718 (cited by Labcorp Genetics (formerly Invitae), Labcorp); PubMed 25312043 (cited by Labcorp Genetics (formerly Invitae), Labcorp); PubMed 26780318 (cited by Labcorp Genetics (formerly Invitae), Labcorp).